The following is an entry in ClinVar:

ClinVar aggregate classification (germline): Uncertain significance (1 of 4 stars; one submission).

Conditions:
Cardiovascular phenotype. Identifiers: MedGen CN230736.

Submission:

Ambry Genetics
Classification: Uncertain significance for Cardiovascular phenotype. Last evaluated: 2025-01-13. Review status: criteria provided, single submitter. Criteria: Ambry Variant Classification Scheme 2023. Collection method: clinical testing. Allele origin: germline.
Comment: The p.R492K variant (also known as c.1475G>A), located in coding exon 5 of the RBM20 gene, results from a G to A substitution at nucleotide position 1475. The arginine at codon 492 is replaced by lysine, an amino acid with highly similar properties. This amino acid position is conserved. In addition, the in silico prediction for this alteration is inconclusive. Based on the available evidence, the clinical significance of this variant remains unclear.

NM_001134363.3(RBM20):c.1475G>A (p.Arg492Lys)

Gene: RBM20 (RNA binding motif protein 20; plus strand). Cytogenetic location: 10q25.2.
Variant type: single nucleotide variant.
Coding change: c.1475G>A on transcript NM_001134363.3 (MANE Select); coding-DNA position 1475, G replaced by A.
Protein change: p.Arg492Lys; replaces arginine 492 with lysine.
Molecular consequence: missense variant.
Genome position (GRCh38, 1-based): chr10:110,784,837, G>A. VCF-style: chr10-110784837-G-A. GRCh37 (hg19) VCF-style: chr10-112544595-G-A.
Other names: short protein forms R492K.
Identifiers: ClinVar variation 3787511 (VCV003787511.1).